The following is an entry in ClinVar:

NM_001378454.1(ALMS1):c.4333C>T (p.His1445Tyr)

Gene: ALMS1 (ALMS1 centrosome and basal body associated protein; plus strand). Cytogenetic location: 2p13.1.
Variant type: single nucleotide variant.
Coding change: c.4333C>T on transcript NM_001378454.1 (MANE Select); coding-DNA position 4333, C replaced by T.
Protein change: p.His1445Tyr; replaces histidine 1445 with tyrosine.
Molecular consequence: missense variant.
Genome position (GRCh38, 1-based): chr2:73,450,860, C>T. VCF-style: chr2-73450860-C-T. GRCh37 (hg19) VCF-style: chr2-73677987-C-T.
Other names: c.4336C>T, p.His1446Tyr (NM_015120.4); short protein forms H1445Y, H1446Y.
Identifiers: ClinVar variation 1023431 (VCV001023431.4), dbSNP rs746087402, ClinGen allele CA1713691.
Genomic context (GRCh38, chr2:73,450,860, plus strand): 5'-CCCTCTACTTTCTACTCACACACAGAGAAGCCTGGTAGTTTCTACCAACAGGTCTTGCCA[C>T]ATAGTCATCTACCTGAAGAGGCTTTGGAAGTTTCAGTTGCTCCTGGACCAGTTGACCAGA-3'
Protein context (NP_001365383.1, residues 1435-1455): PGSFYQQVLP[His1445Tyr]SHLPEEALEV

ClinVar aggregate classification (germline): Uncertain significance (1 of 4 stars; one submission).

Conditions:
Alstrom syndrome (ALMS). Identifiers: Orphanet 64, MedGen C0268425, MONDO:0008763, OMIM 203800.

Allele frequency attached by ClinVar (database versions not stated): gnomAD exomes below 0.00001; ExAC 0.00001.
gnomAD v4.1: 2 of 1,614,088 alleles (0.00012%); highest among the groups gnomAD compares: Middle Eastern, 0.017%; no homozygotes.

Submission:

Labcorp Genetics (formerly Invitae), Labcorp
Classification: Uncertain significance for Alstrom syndrome. Last evaluated: 2021-10-21. Review status: criteria provided, single submitter. Criteria: Invitae Variant Classification Sherloc (09022015). Collection method: clinical testing. Allele origin: germline.
Comment: This sequence change replaces histidine with tyrosine at codon 1446 of the ALMS1 protein (p.His1446Tyr). The histidine residue is weakly conserved and there is a moderate physicochemical difference between histidine and tyrosine. This variant is present in population databases (rs746087402, ExAC 0.001%). This variant has not been reported in the literature in individuals with ALMS1-related conditions. Experimental studies and prediction algorithms are not available or were not evaluated, and the functional significance of this variant is currently unknown. In summary, the available evidence is currently insufficient to determine the role of this variant in disease. Therefore, it has been classified as a Variant of Uncertain Significance.